The following is an entry in ClinVar:

ClinVar aggregate classification (germline): Uncertain significance (1 of 4 stars; one submission).

Submission:

CeGaT Center for Human Genetics Tuebingen
Classification: Uncertain significance. Last evaluated: 2025-11-01. Review status: criteria provided, single submitter. Criteria: CeGaT Center For Human Genetics Tuebingen Variant Classification Criteria Version 2. Collection method: clinical testing. Allele origin: germline. Affected: yes. Observed: 1 variant allele.
Comment: COL4A1: PM2, BP4

NM_001845.6(COL4A1):c.2969-4C>G

Gene: COL4A1 (collagen type IV alpha 1 chain; minus strand). Cytogenetic location: 13q34.
Variant type: single nucleotide variant.
Coding change: c.2969-4C>G on transcript NM_001845.6 (MANE Select); 4 bases into the intron before coding-DNA position 2969, C replaced by G.
Molecular consequence: intron variant.
Genome position (GRCh38, 1-based): chr13:110,176,517, G>C on the plus strand (C>G on the coding strand, the complement: COL4A1 is on the minus strand). VCF-style: chr13-110176517-G-C. GRCh37 (hg19) VCF-style: chr13-110828864-G-C.
Identifiers: ClinVar variation 4535109 (VCV004535109.6).